The following is an entry in ClinVar:

NM_001128840.3(CACNA1D):c.6201A>G (p.Ile2067Met)

Gene: CACNA1D (calcium voltage-gated channel subunit alpha1 D; plus strand). Cytogenetic location: 3p21.1.
Variant type: single nucleotide variant.
Coding change: c.6201A>G on transcript NM_001128840.3 (MANE Select); coding-DNA position 6201, A replaced by G.
Protein change: p.Ile2067Met; replaces isoleucine 2067 with methionine.
Molecular consequence: missense variant.
Genome position (GRCh38, 1-based): chr3:53,811,121, A>G. VCF-style: chr3-53811121-A-G. GRCh37 (hg19) VCF-style: chr3-53845148-A-G.
Other names: c.6261A>G, p.Ile2087Met (NM_000720.4); c.6129A>G, p.Ile2043Met (NM_001128839.3); short protein forms I2043M, I2067M, I2087M.
Identifiers: ClinVar variation 3233888 (VCV003233888.4), dbSNP rs1242223664, ClinGen allele CA353258980.

ClinVar aggregate classification (germline): Uncertain significance. Review status: criteria provided, multiple submitters, no conflicts (2 of 4 stars). 2 submissions from 2 submitters: Uncertain significance (2). Last evaluated 2025-09-17.

Allele frequency attached by ClinVar (database versions not stated): TOPMed below 0.00001; gnomAD 0.00001; gnomAD exomes 0.00001.
gnomAD v4.1: 9 of 1,613,712 alleles (0.00056%); highest among the groups gnomAD compares: Non-Finnish European, 0.00076%; no homozygotes.

Submissions (2):

Labcorp Genetics (formerly Invitae), Labcorp
Classification: Uncertain significance. Last evaluated: 2025-09-17. Review status: criteria provided, single submitter. Criteria: Invitae Variant Classification Sherloc (09022015). Collection method: clinical testing. Allele origin: germline.
Comment: This sequence change replaces isoleucine, which is neutral and non-polar, with methionine, which is neutral and non-polar, at codon 2087 of the CACNA1D protein (p.Ile2087Met). This variant is present in population databases (no rsID available, gnomAD 0.007%). This variant has not been reported in the literature in individuals affected with CACNA1D-related conditions. ClinVar contains an entry for this variant (Variation ID: 3233888). An algorithm developed to predict the effect of missense changes on protein structure and function (PolyPhen-2) suggests that this variant is likely to be disruptive. In summary, the available evidence is currently insufficient to determine the role of this variant in disease. Therefore, it has been classified as a Variant of Uncertain Significance.

Women's Health and Genetics/Laboratory Corporation of America, LabCorp
Classification: Uncertain significance. Last evaluated: 2024-03-19. Review status: criteria provided, single submitter. Criteria: LabCorp Variant Classification Summary - May 2015. Collection method: clinical testing. Allele origin: germline.
Comment: Variant summary: CACNA1D c.6261A>G (p.Ile2087Met) results in a conservative amino acid change located in the Voltage-gated calcium channel subunit alpha, C-terminal domain (IPR031688) of the encoded protein sequence. Four of five in-silico tools predict a damaging effect of the variant on protein function. The variant was absent in 251462 control chromosomes (gnomAD). The available data on variant occurrences in the general population are insufficient to allow any conclusion about variant significance. To our knowledge, no occurrence of c.6261A>G in individuals affected with Sinoatrial Node Dysfunction And Deafness and no experimental evidence demonstrating its impact on protein function have been reported. No submitters have cited clinical-significance assessments for this variant to ClinVar. Based on the evidence outlined above, the variant was classified as uncertain significance.